The following is an entry in ClinVar:

NM_005188.4(CBL):c.2597G>A (p.Ser866Asn)

Gene: CBL (Cbl proto-oncogene; plus strand). Cytogenetic location: 11q23.3.
Variant type: single nucleotide variant.
Coding change: c.2597G>A on transcript NM_005188.4 (MANE Select); coding-DNA position 2597, G replaced by A.
Protein change: p.Ser866Asn; replaces serine 866 with asparagine.
Molecular consequence: missense variant.
Genome position (GRCh38, 1-based): chr11:119,299,657, G>A. VCF-style: chr11-119299657-G-A. GRCh37 (hg19) VCF-style: chr11-119170367-G-A.
Other names: short protein forms S866N.
Identifiers: ClinVar variation 4613877 (VCV004613877.2).

ClinVar aggregate classification (germline): Uncertain significance. Review status: criteria provided, multiple submitters, no conflicts (2 of 4 stars). 2 submissions from 2 submitters: Uncertain significance (2). Last evaluated 2025-12-02.

Conditions:
RASopathy. Also called: Noonan spectrum disorder; rasopathies. Identifiers: Orphanet 536391, MedGen C5555857, MONDO:0021060.
Cardiovascular phenotype. Identifiers: MedGen CN230736.

gnomAD v4.1: 6 of 1,614,050 alleles (0.00037%); highest among the groups gnomAD compares: African/African-American, 0.0013%; no homozygotes.

Submissions (2):

Labcorp Genetics (formerly Invitae), Labcorp
Classification: Uncertain significance for RASopathy. Last evaluated: 2025-12-02. Review status: criteria provided, single submitter. Criteria: Invitae Variant Classification Sherloc (09022015). Collection method: clinical testing. Allele origin: germline.
Comment: This sequence change replaces serine, which is neutral and polar, with asparagine, which is neutral and polar, at codon 866 of the CBL protein (p.Ser866Asn). This variant is present in population databases (no rsID available, gnomAD 0.01%). This variant has not been reported in the literature in individuals affected with CBL-related conditions. Invitae Evidence Modeling of protein sequence and biophysical properties (such as structural, functional, and spatial information, amino acid conservation, physicochemical variation, residue mobility, and thermodynamic stability) indicates that this missense variant is not expected to disrupt CBL protein function with a negative predictive value of 95%. In summary, the available evidence is currently insufficient to determine the role of this variant in disease. Therefore, it has been classified as a Variant of Uncertain Significance.

Ambry Genetics
Classification: Uncertain significance for Cardiovascular phenotype. Last evaluated: 2025-11-17. Review status: criteria provided, single submitter. Criteria: Ambry Variant Classification Scheme 2023. Collection method: clinical testing. Allele origin: germline.
Comment: The p.S866N variant (also known as c.2597G>A), located in coding exon 16 of the CBL gene, results from a G to A substitution at nucleotide position 2597. The serine at codon 866 is replaced by asparagine, an amino acid with highly similar properties. This amino acid position is conserved. In addition, this alteration is predicted to be tolerated by in silico analysis. Based on the available evidence, the clinical significance of this variant remains unclear.